The following is an entry in ClinVar:

NM_000548.5(TSC2):c.5259+3A>C

Gene: TSC2 (TSC complex subunit 2; plus strand). Cytogenetic location: 16p13.3.
Variant type: single nucleotide variant.
Coding change: c.5259+3A>C on transcript NM_000548.5 (MANE Select); 3 bases into the intron after coding-DNA position 5259, A replaced by C.
Molecular consequence: intron variant.
Genome position (GRCh38, 1-based): chr16:2,088,328, A>C. VCF-style: chr16-2088328-A-C. GRCh37 (hg19) VCF-style: chr16-2138329-A-C.
Other names: c.5190+3A>C (NM_001114382.3); c.5130+3A>C (NM_021055.3); c.5118+3A>C (NM_001370405.1); c.5061+3A>C (NM_001363528.2); c.5127+3A>C (NM_001370404.1); c.5058+3A>C (NM_001077183.3); c.4950+3A>C (NM_001318827.2); c.4527+3A>C (NM_001318831.2); and 2 more.
Identifiers: ClinVar variation 535991 (VCV000535991.6), dbSNP rs1555440897, ClinGen allele CA658798500.
Genomic context (GRCh38, chr16:2,088,328, plus strand): 5'-TATCTACCCCTCCAAGTGGATTGCCCGGCTCCGCCACATCAAGCGGCTCCGCCAGCGGGT[A>C]GGGAATATGGGGCTCCCTCAGCGGGGTGTGCTGGCTGCCCAAGCTGTGGGGCGGGTGTGT-3'

ClinVar aggregate classification (germline): Uncertain significance (1 of 4 stars; one submission).

Conditions:
Tuberous sclerosis 2 (TSC2). Identifiers: Orphanet 805, MedGen C1860707, MONDO:0013199, OMIM 613254.

Submission:

Labcorp Genetics (formerly Invitae), Labcorp
Classification: Uncertain significance for Tuberous sclerosis 2. Last evaluated: 2023-04-24. Review status: criteria provided, single submitter. Criteria: Invitae Variant Classification Sherloc (09022015). Collection method: clinical testing. Allele origin: germline.
Comment: In summary, the available evidence is currently insufficient to determine the role of this variant in disease. Therefore, it has been classified as a Variant of Uncertain Significance. Variants that disrupt the consensus splice site are a relatively common cause of aberrant splicing (PMID: 17576681, 9536098). Studies have shown that this variant is associated with altered splicing resulting in unknown protein product impact (Invitae). ClinVar contains an entry for this variant (Variation ID: 535991). This variant has not been reported in the literature in individuals affected with TSC2-related conditions. This variant is not present in population databases (gnomAD no frequency). This sequence change falls in intron 41 of the TSC2 gene. It does not directly change the encoded amino acid sequence of the TSC2 protein. It affects a nucleotide within the consensus splice site.

Literature cited by the submitters: PubMed 17576681; PubMed 9536098.